The following is an entry in ClinVar:

NM_015346.4(ZFYVE26):c.3681C>T (p.Ile1227=)

Gene: ZFYVE26 (zinc finger FYVE-type containing 26; minus strand). Cytogenetic location: 14q24.1.
Variant type: single nucleotide variant.
Coding change: c.3681C>T on transcript NM_015346.4 (MANE Select); coding-DNA position 3681, C replaced by T.
Protein change: p.Ile1227=; no amino-acid change (isoleucine 1227 retained).
Molecular consequence: synonymous variant.
Genome position (GRCh38, 1-based): chr14:67,783,471, G>A on the plus strand (C>T on the coding strand, the complement: ZFYVE26 is on the minus strand). VCF-style: chr14-67783471-G-A. GRCh37 (hg19) VCF-style: chr14-68250188-G-A.
Identifiers: ClinVar variation 1079040 (VCV001079040.32), dbSNP rs141264277, ClinGen allele CA7239926.
Genomic context (GRCh38, chr14:67,783,471, plus strand): 5'-GGAGGTCTGCTGGCTTTGCCGGGATGAGCAAAGAGCAAGGGGCTCACAGCAGCAGCTGAC[G>A]ATGACCTGTGGCACACTTAGGCTGAGATTCTCTTGGGCCAGAAGGGCTGCCAGTCTGGAA-3'
Protein context (NP_056161.2, residues 1217-1237): ENLSLSVPQV[Ile1227=]VSCCCEPLAL

ClinVar aggregate classification (germline): Likely benign. Review status: criteria provided, multiple submitters, no conflicts (2 of 4 stars). 2 submissions from 2 submitters: Likely benign (2). Last evaluated 2025-11-17.

Conditions:
Spastic paraplegia. Identifiers: MedGen C0037772, HP:0001258.

Submissions (2):

Labcorp Genetics (formerly Invitae), Labcorp
Classification: Likely benign for Spastic paraplegia. Last evaluated: 2025-11-17. Review status: criteria provided, single submitter. Criteria: Invitae Variant Classification Sherloc (09022015). Collection method: clinical testing. Allele origin: germline.

CeGaT Center for Human Genetics Tuebingen
Classification: Likely benign. Last evaluated: 2022-10-01. Review status: criteria provided, single submitter. Criteria: CeGaT Center For Human Genetics Tuebingen Variant Classification Criteria Version 2. Collection method: clinical testing. Allele origin: germline. Affected: yes. Observed: 1 variant allele.
Comment: ZFYVE26: BP4, BP7